The following is an entry in ClinVar:

ClinVar aggregate classification (germline): Uncertain significance (1 of 4 stars; one submission).

Conditions:
Immunodeficiency 39 (IMD39). Identifiers: Orphanet 574918, MedGen C4225358, MONDO:0014597, OMIM 616345.

gnomAD v4.1: 1 of 1,511,804 alleles (0.000066%); highest among the groups gnomAD compares: African/African-American, 0.0014%; no homozygotes.

Submission:

Labcorp Genetics (formerly Invitae), Labcorp
Classification: Uncertain significance for Immunodeficiency 39. Last evaluated: 2024-07-23. Review status: criteria provided, single submitter. Criteria: Invitae Variant Classification Sherloc (09022015). Collection method: clinical testing. Allele origin: germline.
Comment: This sequence change replaces glycine, which is neutral and non-polar, with arginine, which is basic and polar, at codon 300 of the IRF7 protein (p.Gly300Arg). This variant is present in population databases (rs764449303, gnomAD 0.007%). This variant has not been reported in the literature in individuals affected with IRF7-related conditions. Advanced modeling of protein sequence and biophysical properties (such as structural, functional, and spatial information, amino acid conservation, physicochemical variation, residue mobility, and thermodynamic stability) performed at Invitae indicates that this missense variant is not expected to disrupt IRF7 protein function with a negative predictive value of 80%. In summary, the available evidence is currently insufficient to determine the role of this variant in disease. Therefore, it has been classified as a Variant of Uncertain Significance.

NM_001572.5(IRF7):c.859G>C (p.Gly287Arg)

Gene: IRF7 (interferon regulatory factor 7; minus strand). Cytogenetic location: 11p15.5.
Variant type: single nucleotide variant.
Coding change: c.859G>C on transcript NM_001572.5 (MANE Select); coding-DNA position 859, G replaced by C.
Protein change: p.Gly287Arg; replaces glycine 287 with arginine.
Molecular consequence: missense variant.
Genome position (GRCh38, 1-based): chr11:613,584, C>G on the plus strand (G>C on the coding strand, the complement: IRF7 is on the minus strand). VCF-style: chr11-613584-C-G. GRCh37 (hg19) VCF-style: chr11-613584-C-G.
Other names: c.772G>C, p.Gly258Arg (NM_004029.4); c.898G>C, p.Gly300Arg (NM_004031.4); short protein forms G258R, G287R, G300R.
Identifiers: ClinVar variation 3713199 (VCV003713199.2).